The following is an entry in ClinVar:

NM_152564.5(VPS13B):c.11916del (p.Asp3973fs)

Gene: VPS13B (vacuolar protein sorting 13 homolog B; plus strand). Cytogenetic location: 8q22.2.
Variant type: Deletion.
Coding change: c.11916del on transcript NM_152564.5 (MANE Select); coding-DNA position 11916, one base deleted (T; older notation c.11916delT).
Protein change: p.Asp3973fs; shifts the reading frame from aspartic acid 3973.
Molecular consequence: frameshift variant.
Genome position (GRCh38, 1-based): chr8:99,875,588, T deleted; the last of 2 consecutive T bases (chr8:99,875,587-99,875,588); deleting either gives the same sequence. VCF-style (leftmost placement, unchanged base first): chr8-99875586-GT-G. GRCh37 (hg19) VCF-style: chr8-100887814-GT-G.
Other names: c.11991del, p.Asp3998fs (NM_017890.5); short protein forms D3973fs, D3998fs.
Identifiers: ClinVar variation 4994898 (VCV004994898.1).

ClinVar aggregate classification (germline): Uncertain significance (1 of 4 stars; one submission).

Conditions:
VPS13B-related disorder. Also called: VPS13B-related condition.

Submission:

PreventionGenetics, part of Exact Sciences
Classification: Uncertain significance for VPS13B-related condition. Last evaluated: 2026-03-12. Review status: criteria provided, single submitter. Criteria: ACMG Guidelines, 2015. Collection method: clinical testing. Allele origin: germline.
Comment: The VPS13B c.11916delT variant is predicted to result in a frameshift and premature protein termination (p.Asp3973Ilefs*15). This variant is located in the last exon of the gene, and therefore the resulting transcript may not undergo nonsense-mediated decay. To our knowledge, this variant has not been reported in the literature or in a large population database (gnomAD), indicating this variant is rare. Although we suspect that this variant may be pathogenic, at this time, the clinical significance of this variant is uncertain due to the absence of conclusive functional and genetic evidence.